The following is an entry in ClinVar:

ClinVar aggregate classification (germline): Uncertain significance (1 of 4 stars; one submission).

Conditions:
Hereditary pancreatitis (PCTT). Also called: Hereditary chronic pancreatitis; PRSS1-Related Hereditary Pancreatitis. Identifiers: Orphanet 676, MedGen C0238339, MONDO:0008185, OMIM 167800.

Submission:

Ambry Genetics
Classification: Uncertain significance for Hereditary pancreatitis. Last evaluated: 2025-12-05. Review status: criteria provided, single submitter. Criteria: Ambry Variant Classification Scheme 2023. Collection method: clinical testing. Allele origin: germline.
Comment: The p.A13G variant (also known as c.38C>G), located in coding exon 1 of the CPA1 gene, results from a C to G substitution at nucleotide position 38. The alanine at codon 13 is replaced by glycine, an amino acid with similar properties. This amino acid position is conserved. In addition, this alteration is predicted to be tolerated by in silico analysis. Based on the available evidence, the clinical significance of this variant remains unclear.

NM_001868.4(CPA1):c.38C>G (p.Ala13Gly)

Gene: CPA1 (carboxypeptidase A1; plus strand). Cytogenetic location: 7q32.2.
Variant type: single nucleotide variant.
Coding change: c.38C>G on transcript NM_001868.4 (MANE Select); coding-DNA position 38, C replaced by G.
Protein change: p.Ala13Gly; replaces alanine 13 with glycine.
Molecular consequence: missense variant.
Genome position (GRCh38, 1-based): chr7:130,380,558, C>G. VCF-style: chr7-130380558-C-G. GRCh37 (hg19) VCF-style: chr7-130020399-C-G.
Other names: short protein forms A13G.
Identifiers: ClinVar variation 4559749 (VCV004559749.1).
Genomic context (GRCh38, chr7:130,380,558, plus strand): 5'-TGACCTTCCCTCCCGGCAGCAGCATGCGGGGGTTGCTGGTGTTGAGTGTCCTGTTGGGGG[C>G]TGTCTTTGGCAAGGAGGACTTTGTGGGGTAGGGATGTGGAGAGGAGGGGGTGCCCTCTGA-3'
Protein context (NP_001859.1, residues 3-23): GLLVLSVLLG[Ala13Gly]VFGKEDFVGH